The following is an entry in ClinVar:

ClinVar aggregate classification (germline): Uncertain significance (1 of 4 stars; one submission).

Conditions:
Cardiomyopathy (CMYO). Also called: Cardiomyopathies. Identifiers: Orphanet 167848, MedGen C0878544, MONDO:0004994, HP:0001638. Inheritance: Various modes of inheritance.

Submission:

Color Diagnostics, LLC DBA Color Health
Classification: Uncertain significance for Cardiomyopathy. Last evaluated: 2023-12-04. Review status: criteria provided, single submitter. Criteria: ACMG Guidelines, 2015. Collection method: clinical testing. Allele origin: germline.
Comment: Variant of Uncertain Significance due to insufficient evidence: This missense variant replaces asparagine with aspartic acid at codon 305 of the DSG2 protein. Computational prediction tools and conservation analyses are inconclusive regarding the impact of this variant on the protein function. Computational splicing tools suggest that this variant may not impact RNA splicing. To our knowledge, functional assays have not been performed for this variant nor has this variant been reported in individuals affected with cardiovascular disorders in the literature. This variant has not been identified in the general population by the Genome Aggregation Database (gnomAD). Available evidence is insufficient to determine the role of this variant in disease conclusively.

NM_001943.5(DSG2):c.913A>G (p.Asn305Asp)

Gene: DSG2 (desmoglein 2; plus strand). Cytogenetic location: 18q12.1.
Variant type: single nucleotide variant.
Coding change: c.913A>G on transcript NM_001943.5 (MANE Select); coding-DNA position 913, A replaced by G.
Protein change: p.Asn305Asp; replaces asparagine 305 with aspartic acid.
Molecular consequence: missense variant.
Genome position (GRCh38, 1-based): chr18:31,524,787, A>G. VCF-style: chr18-31524787-A-G. GRCh37 (hg19) VCF-style: chr18-29104750-A-G.
Other names: short protein forms N305D.
Identifiers: ClinVar variation 928226 (VCV000928226.5), dbSNP rs2073152795, ClinGen allele CA402135650.